The following is an entry in ClinVar:

ClinVar aggregate classification (germline): Uncertain significance (1 of 4 stars; one submission).

Submission:

CeGaT Center for Human Genetics Tuebingen
Classification: Uncertain significance. Last evaluated: 2025-11-01. Review status: criteria provided, single submitter. Criteria: CeGaT Center For Human Genetics Tuebingen Variant Classification Criteria Version 2. Collection method: clinical testing. Allele origin: germline. Affected: yes. Observed: 1 variant allele.
Comment: KAT8: PM2, PM4

NM_032188.3(KAT8):c.1051_1073delinsCACAGTCG (p.Lys351_Lys358delinsHisSerArg)

Gene: KAT8 (lysine acetyltransferase 8; plus strand). Cytogenetic location: 16p11.2.
Variant type: Indel.
Coding change: c.1051_1073delinsCACAGTCG on transcript NM_032188.3 (MANE Select); coding-DNA positions 1051 to 1073, AAGCCACTGTCTGACCTGGGCAA replaced by CACAGTCG.
Protein change: p.Lys351_Lys358delinsHisSerArg.
Molecular consequence: inframe indel.
Genome position (GRCh38, 1-based): chr16:31,130,500-31,130,522, AAGCCACTGTCTGACCTGGGCAA replaced by CACAGTCG. VCF-style: chr16-31130500-AAGCCACTGTCTGACCTGGGCAA-CACAGTCG. GRCh37 (hg19) VCF-style: chr16-31141821-AAGCCACTGTCTGACCTGGGCAA-CACAGTCG.
Other names: c.1051_1073delinsCACAGTCG, p.Lys351_Lys358delinsHisSerArg (NM_182958.4).
Identifiers: ClinVar variation 4535434 (VCV004535434.6).